The following is an entry in ClinVar:

ClinVar aggregate classification (germline): Benign/Likely benign. Review status: criteria provided, multiple submitters, no conflicts (2 of 4 stars). 3 submissions from 3 submitters: Benign (2); Likely benign (1). Last evaluated 2024-09-01.

Allele frequency attached by ClinVar (database versions not stated): 1000 Genomes Project 30x 0.00141; 1000 Genomes Project 0.00160; TOPMed 0.00580; gnomAD 0.00752 and 0.00758; ESP Exome Variant Server 0.00753; gnomAD exomes 0.00834 and 0.00858; ExAC 0.00841.

Submissions (3):

CeGaT Center for Human Genetics Tuebingen
Classification: Likely benign. Last evaluated: 2024-09-01. Review status: criteria provided, single submitter. Criteria: CeGaT Center For Human Genetics Tuebingen Variant Classification Criteria Version 2. Collection method: clinical testing. Allele origin: germline. Affected: yes. Observed: 3 variant alleles.
Comment: GPR142: BP4, BP7, BS2

Labcorp Genetics (formerly Invitae), Labcorp
Classification: Benign. Last evaluated: 2018-04-16. Review status: criteria provided, single submitter. Criteria: Invitae Variant Classification Sherloc (09022015). Collection method: clinical testing. Allele origin: germline.

Breakthrough Genomics
Classification: Benign. Review status: criteria provided, single submitter. Criteria: ACMG Guidelines, 2015. Collection method: not provided. Allele origin: germline. Inheritance: Unknown mechanism. Affected: yes.

NM_001331076.1(GPR142):c.807C>A (p.Ala269=)

Gene: GPR142 (G protein-coupled receptor 142; plus strand). Cytogenetic location: 17q25.1.
Variant type: single nucleotide variant.
Coding change: c.807C>A on transcript NM_001331076.1 (MANE Select); coding-DNA position 807, C replaced by A.
Protein change: p.Ala269=; no amino-acid change (alanine 269 retained).
Molecular consequence: synonymous variant.
Genome position (GRCh38, 1-based): chr17:74,372,282, C>A. VCF-style: chr17-74372282-C-A. GRCh37 (hg19) VCF-style: chr17-72368421-C-A.
Other names: c.807C>A, p.Ala269= (NM_001331077.1); c.1071C>A, p.Ala357= (NM_181790.1).
Identifiers: ClinVar variation 778532 (VCV000778532.27), dbSNP rs140023314, ClinGen allele CA8747663.